The following is an entry in ClinVar:

NM_177438.3(DICER1):c.549C>G (p.Asp183Glu)

Gene: DICER1 (dicer 1, ribonuclease III; minus strand). Cytogenetic location: 14q32.13.
Variant type: single nucleotide variant.
Coding change: c.549C>G on transcript NM_177438.3 (MANE Select); coding-DNA position 549, C replaced by G.
Protein change: p.Asp183Glu; replaces aspartic acid 183 with glutamic acid.
Molecular consequence: missense variant.
Genome position (GRCh38, 1-based): chr14:95,130,082, G>C on the plus strand (C>G on the coding strand, the complement: DICER1 is on the minus strand). VCF-style: chr14-95130082-G-C. GRCh37 (hg19) VCF-style: chr14-95596419-G-C.
Other names: c.549C>G, p.Asp183Glu (NM_001195573.1, NM_001271282.3, NM_001291628.2 and 1 more transcripts); short protein forms D183E.
Identifiers: ClinVar variation 412044 (VCV000412044.14), dbSNP rs1060503587, ClinGen allele CA16614284.

ClinVar aggregate classification (germline): Uncertain significance. Review status: criteria provided, multiple submitters, no conflicts (2 of 4 stars). 2 submissions from 2 submitters: Uncertain significance (2). Last evaluated 2025-06-16.

Conditions:
DICER1-related tumor predisposition. Also called: DICER1-related pleuropulmonary blastoma cancer predisposition syndrome; DICER1 syndrome. Identifiers: Orphanet 284343, MedGen C3839822, MONDO:0100216.
Hereditary cancer-predisposing syndrome. Also called: Hereditary neoplastic syndrome; Neoplastic Syndromes, Hereditary; Tumor predisposition; Hereditary Cancer Syndrome. Identifiers: Orphanet 140162, MedGen C0027672, MeSH D009386, MONDO:0015356.

Allele frequency attached by ClinVar (database versions not stated): TOPMed below 0.00001.
gnomAD v4.1: 3 of 1,613,378 alleles (0.00019%); highest among the groups gnomAD compares: Non-Finnish European, 0.00025%; no homozygotes.

Submissions (2):

Labcorp Genetics (formerly Invitae), Labcorp
Classification: Uncertain significance for DICER1-related tumor predisposition. Last evaluated: 2025-06-16. Review status: criteria provided, single submitter. Criteria: Invitae Variant Classification Sherloc (09022015). Collection method: clinical testing. Allele origin: germline.
Comment: This sequence change replaces aspartic acid, which is acidic and polar, with glutamic acid, which is acidic and polar, at codon 183 of the DICER1 protein (p.Asp183Glu). This variant is not present in population databases (gnomAD no frequency). This variant has not been reported in the literature in individuals affected with DICER1-related conditions. ClinVar contains an entry for this variant (Variation ID: 412044). Invitae Evidence Modeling of protein sequence and biophysical properties (such as structural, functional, and spatial information, amino acid conservation, physicochemical variation, residue mobility, and thermodynamic stability) indicates that this missense variant is not expected to disrupt DICER1 protein function with a negative predictive value of 95%. In summary, the available evidence is currently insufficient to determine the role of this variant in disease. Therefore, it has been classified as a Variant of Uncertain Significance.

Ambry Genetics
Classification: Uncertain significance for Hereditary cancer-predisposing syndrome. Last evaluated: 2024-09-15. Review status: criteria provided, single submitter. Criteria: Ambry Variant Classification Scheme 2023. Collection method: clinical testing. Allele origin: germline.
Comment: The p.D183E variant (also known as c.549C>G), located in coding exon 4 of the DICER1 gene, results from a C to G substitution at nucleotide position 549. The aspartic acid at codon 183 is replaced by glutamic acid, an amino acid with highly similar properties. This amino acid position is highly conserved in available vertebrate species. In addition, the in silico prediction for this alteration is inconclusive. Since supporting evidence is limited at this time, the clinical significance of this alteration remains unclear.